The following is an entry in ClinVar:

ClinVar aggregate classification (germline): Pathogenic (1 of 4 stars; one submission).

Conditions:
Niemann-Pick disease, type C1. Also called: NEUROVISCERAL STORAGE DISEASE WITH VERTICAL SUPRANUCLEAR OPHTHALMOPLEGIA; NIEMANN-PICK DISEASE WITH CHOLESTEROL ESTERIFICATION BLOCK; NIEMANN-PICK DISEASE WITHOUT SPHINGOMYELINASE DEFICIENCY; NIEMANN-PICK DISEASE, CHRONIC NEURONOPATHIC FORM; NIEMANN-PICK DISEASE, VARIANT TYPE C1. Identifiers: Orphanet 646, MedGen C3179455, MONDO:0009757, OMIM 257220.

Submission:

Myriad Genetics, Inc.
Classification: Pathogenic for Niemann-Pick disease, type C1. Last evaluated: 2026-04-11. Review status: criteria provided, single submitter. Criteria: Myriad Autosomal Dominant, Autosomal Recessive and X-Linked Classification Criteria (2023). Collection method: clinical testing. Allele origin: unknown.
Comment: NM_000271.4(NPC1):c.315delG(N106Tfs*6) is expected to be pathogenic in the context of Niemann-Pick disease type C1. This variant is predicted to lead to an abnormal or absent protein product due to the creation of a premature termination codon in NPC1, a gene where loss-of-function variants are known to be pathogenic. Please note: this variant was assessed in the context of healthy population screening.

NM_000271.5(NPC1):c.315del (p.Asn106fs)

Gene: NPC1 (NPC intracellular cholesterol transporter 1; minus strand). Cytogenetic location: 18q11.2.
Variant type: Deletion.
Coding change: c.315del on transcript NM_000271.5 (MANE Select); coding-DNA position 315, one base deleted (G; older notation c.315delG).
Protein change: p.Asn106fs; shifts the reading frame from asparagine 106.
Molecular consequence: frameshift variant.
Genome position (GRCh38, 1-based): chr18:23,568,971, C deleted on the plus strand (G on the coding strand, the reverse complement: NPC1 is on the minus strand). VCF-style (leftmost placement, unchanged base first): chr18-23568970-TC-T. GRCh37 (hg19) VCF-style: chr18-21148934-TC-T.
Other names: short protein forms N106fs.
Identifiers: ClinVar variation 5015791 (VCV005015791.1).